The following is an entry in ClinVar:

NM_173689.7(CRB2):c.3632C>T (p.Ala1211Val)

Gene: CRB2 (crumbs cell polarity complex component 2; plus strand). Cytogenetic location: 9q33.3.
Variant type: single nucleotide variant.
Coding change: c.3632C>T on transcript NM_173689.7 (MANE Select); coding-DNA position 3632, C replaced by T.
Protein change: p.Ala1211Val; replaces alanine 1211 with valine.
Molecular consequence: missense variant. On other transcripts: non-coding transcript variant (1).
Genome position (GRCh38, 1-based): chr9:123,375,342, C>T. VCF-style: chr9-123375342-C-T. GRCh37 (hg19) VCF-style: chr9-126137621-C-T.
Other names: short protein forms A1211V.
Identifiers: ClinVar variation 3361495 (VCV003361495.1).

ClinVar aggregate classification (germline): Uncertain significance (1 of 4 stars; one submission).

gnomAD v4.1: 20 of 1,585,396 alleles (0.0013%); highest among the groups gnomAD compares: African/African-American, 0.0027%; no homozygotes.

Submission:

GeneDx
Classification: Uncertain significance. Last evaluated: 2023-07-22. Review status: criteria provided, single submitter. Criteria: GeneDx Variant Classification Process June 2021. Collection method: clinical testing. Allele origin: germline. Affected: yes.
Comment: In silico analysis supports that this missense variant does not alter protein structure/function; Has not been previously published as pathogenic or benign to our knowledge